The following is an entry in ClinVar:

ClinVar aggregate classification (germline): Likely benign. Review status: criteria provided, multiple submitters, no conflicts (2 of 4 stars). 3 submissions from 3 submitters: Likely benign (3). Last evaluated 2026-01-22.

Conditions:
Imerslund-Grasbeck syndrome. Also called: ENTEROCYTE COBALAMIN MALABSORPTION; ENTEROCYTE INTRINSIC FACTOR RECEPTOR, DEFECT OF; Imerslund-Gräsbeck syndrome; Megaloblastic anemia due to inborn errors of metabolism; PERNICIOUS ANEMIA, JUVENILE, DUE TO SELECTIVE INTESTINAL MALABSORPTION OF VITAMIN B12, WITH PROTEINURIA. Identifiers: Orphanet 35858, MedGen C4551825, MONDO:0009853.
CUBN-related disorder. Also called: CUBN-related condition.

Allele frequency attached by ClinVar (database versions not stated): gnomAD exomes 0.00006; ExAC 0.00013; ESP Exome Variant Server 0.00031; gnomAD 0.00038; TOPMed 0.00039; 1000 Genomes Project 0.00040; 1000 Genomes Project 30x 0.00062.
gnomAD v4.1: 141 of 1,613,840 alleles (0.0087%); highest among the groups gnomAD compares: African/African-American, 0.13%; 1 homozygote.

Submissions (3):

Labcorp Genetics (formerly Invitae), Labcorp
Classification: Likely benign for Imerslund-Grasbeck syndrome. Last evaluated: 2026-01-22. Review status: criteria provided, single submitter. Criteria: Invitae Variant Classification Sherloc (09022015). Collection method: clinical testing. Allele origin: germline.

PreventionGenetics, part of Exact Sciences
Classification: Likely benign for CUBN-related condition. Last evaluated: 2025-08-19. Review status: criteria provided, single submitter. Criteria: ACMG Guidelines, 2015. Collection method: clinical testing. Allele origin: germline.
Comment: This variant is classified as likely benign based on ACMG/AMP sequence variant interpretation guidelines (Richards et al. 2015 PMID: 25741868, with internal and published modifications).

Blueprint Genetics
Classification: Likely benign. Last evaluated: 2024-11-05. Review status: criteria provided, single submitter. Criteria: ACMG Guidelines, 2015. Collection method: clinical testing. Allele origin: germline.

NM_001081.4(CUBN):c.7352-6C>T

Gene: CUBN (cubilin; minus strand). Cytogenetic location: 10p13.
Variant type: single nucleotide variant.
Coding change: c.7352-6C>T on transcript NM_001081.4 (MANE Select); 6 bases into the intron before coding-DNA position 7352, C replaced by T.
Molecular consequence: intron variant.
Genome position (GRCh38, 1-based): chr10:16,913,998, G>A on the plus strand (C>T on the coding strand, the complement: CUBN is on the minus strand). VCF-style: chr10-16913998-G-A. GRCh37 (hg19) VCF-style: chr10-16955997-G-A.
Other names: c.7352-6C>T (NM_001081.3).
Identifiers: ClinVar variation 2043361 (VCV002043361.6), dbSNP rs186593805, ClinGen allele CA5423392.